The following is an entry in ClinVar:

ClinVar aggregate classification (germline): Benign. Review status: criteria provided, multiple submitters, no conflicts (2 of 4 stars). 4 submissions from 4 submitters: Benign (3). 1 of the submissions does not count toward it. Last evaluated 2026-01-21.

Conditions:
Intellectual developmental disorder, X-linked 1. Also called: Atkin Flaitz Patil Smith syndrome; MENTAL RETARDATION, X-LINKED 18; MENTAL RETARDATION, X-LINKED 78; Intellectual disability, X-linked 1. Identifiers: Orphanet 777, MedGen C2931498, MONDO:0010656, OMIM 309530.
IQSEC2-related disorder. Also called: IQSEC2-related condition.

Allele frequency attached by ClinVar (database versions not stated): TOPMed 0.00002; gnomAD exomes 0.00023 and 0.00048; 1000 Genomes Project 30x 0.00187; ExAC 0.00147; gnomAD 0.00016 and 0.00001; 1000 Genomes Project 0.00212.

Submissions (4):

Labcorp Genetics (formerly Invitae), Labcorp
Classification: Benign for Intellectual developmental disorder, X-linked 1. Last evaluated: 2026-01-21. Review status: criteria provided, single submitter. Criteria: Invitae Variant Classification Sherloc (09022015). Collection method: clinical testing. Allele origin: germline.

Blueprint Genetics
Classification: Benign. Last evaluated: 2024-10-15. Review status: criteria provided, single submitter. Criteria: ACMG Guidelines, 2015. Collection method: clinical testing. Allele origin: germline.

GeneDx
Classification: Benign. Last evaluated: 2021-04-27. Review status: criteria provided, single submitter. Criteria: GeneDx Variant Classification Process June 2021. Collection method: clinical testing. Allele origin: germline. Affected: yes.

PreventionGenetics, part of Exact Sciences
Classification: Benign for IQSEC2-related condition. Last evaluated: 2021-10-27. Review status: no assertion criteria provided. Collection method: clinical testing. Allele origin: germline. Not counted in ClinVar's aggregate classification.
Comment: This variant is classified as benign based on ACMG/AMP sequence variant interpretation guidelines (Richards et al. 2015 PMID: 25741868, with internal and published modifications).

NM_001111125.3(IQSEC2):c.669C>T (p.Thr223=)

Gene: IQSEC2 (IQ motif and Sec7 domain ArfGEF 2; minus strand). Cytogenetic location: Xp11.22.
Variant type: single nucleotide variant.
Coding change: c.669C>T on transcript NM_001111125.3 (MANE Select); coding-DNA position 669, C replaced by T.
Protein change: p.Thr223=; no amino-acid change (threonine 223 retained).
Molecular consequence: synonymous variant.
Genome position (GRCh38, 1-based): chrX:53,320,455, G>A on the plus strand (C>T on the coding strand, the complement: IQSEC2 is on the minus strand). VCF-style: chrX-53320455-G-A. GRCh37 (hg19) VCF-style: chrX-53349653-G-A.
Identifiers: ClinVar variation 779721 (VCV000779721.16), dbSNP rs782083256, ClinGen allele CA10420208.